The following is an entry in ClinVar:

ClinVar aggregate classification (germline): Likely pathogenic (1 of 4 stars; one submission).

Conditions:
Methylmalonic aciduria due to complete methylmalonyl-CoA mutase deficiency.

Submission:

Natera, Inc.
Classification: Likely pathogenic for Methylmalonic aciduria due to complete methylmalonyl-CoA mutase deficiency. Last evaluated: 2024-11-27. Review status: criteria provided, single submitter. Criteria: Natera Variant Classification Schema (03/2026). Collection method: clinical testing. Allele origin: germline.
Comment: The c.1009T>C variant in MMUT is a missense variant predicted to cause substitution of phenylalanine to leucine at amino acid 337. This variant is rare in the general population with a frequency below the threshold expected for the associated phenotype(s). This variant has been observed in one or more individuals affected with the associated recessive disease, as either homozygous or compound heterozygous with a second variant (PMID: 23430940). This variant has been identified in one or more affected individuals with a phenotype highly consistent with the associated gene (PMID: 23430940). Computational prediction algorithms indicate this variant is likely to affect gene or protein function. Given the available evidence, this variant is classified as Likely Pathogenic.

Literature cited by the submitters: PubMed 23430940.

NM_000255.4(MMUT):c.1009T>C (p.Phe337Leu)

Gene: MMUT (methylmalonyl-CoA mutase; minus strand). Cytogenetic location: 6p12.3.
Variant type: single nucleotide variant.
Coding change: c.1009T>C on transcript NM_000255.4 (MANE Select); coding-DNA position 1009, T replaced by C.
Protein change: p.Phe337Leu; replaces phenylalanine 337 with leucine.
Molecular consequence: missense variant.
Genome position (GRCh38, 1-based): chr6:49,453,659, A>G on the plus strand (T>C on the coding strand, the complement: MMUT is on the minus strand). VCF-style: chr6-49453659-A-G. GRCh37 (hg19) VCF-style: chr6-49421372-A-G.
Other names: short protein forms F337L.
Identifiers: ClinVar variation 4817995 (VCV004817995.1).